The following is an entry in ClinVar:

ClinVar aggregate classification (germline): Uncertain significance (1 of 4 stars; one submission).

Conditions:
Hemolytic uremic syndrome, atypical, susceptibility to, 1. Also called: AHUS, SUSCEPTIBILITY TO, 1. Identifiers: Orphanet 2134, Orphanet 90038, MedGen C2749604, MONDO:0009335, OMIM 235400. Disease mechanism: Other.

Submission:

MVZ Medizinische Genetik Mainz
Classification: Uncertain significance for Hemolytic uremic syndrome, atypical, susceptibility to, 1. Last evaluated: 2024-03-06. Review status: criteria provided, single submitter. Criteria: UK Practice Guidelines For Variant Classification V4 01 2020. Collection method: clinical testing. Allele origin: germline. Inheritance: Autosomal dominant inheritance. Affected: yes. Observed: 1 variant allele.
Comment: ACMG Criteria: PM2_SUP

NM_000186.4(CFH):c.284C>A (p.Thr95Asn)

Gene: CFH (complement factor H; plus strand). Cytogenetic location: 1q31.3.
Variant type: single nucleotide variant.
Coding change: c.284C>A on transcript NM_000186.4 (MANE Select); coding-DNA position 284, C replaced by A.
Protein change: p.Thr95Asn; replaces threonine 95 with asparagine.
Molecular consequence: missense variant.
Genome position (GRCh38, 1-based): chr1:196,673,896, C>A. VCF-style: chr1-196673896-C-A. GRCh37 (hg19) VCF-style: chr1-196643026-C-A.
Other names: c.284C>A, p.Thr95Asn (NM_001014975.3); short protein forms T95N.
Identifiers: ClinVar variation 3066191 (VCV003066191.1), dbSNP rs754591061, ClinGen allele CA343976216.
Genomic context (GRCh38, chr1:196,673,896, plus strand): 5'-TAACTTTTTTTTTCGTTTTAGAAAGGCCCTGTGGACATCCTGGAGATACTCCTTTTGGTA[C>A]TTTTACCCTTACAGGAGGAAATGTGTTTGAATATGGTGTAAAAGCTGTGTATACATGTAA-3'
Protein context (NP_000177.2, residues 85-105): CGHPGDTPFG[Thr95Asn]FTLTGGNVFE